The following is an entry in ClinVar:

NM_003888.4(ALDH1A2):c.49G>A (p.Ala17Thr)

Genes: ALDH1A2 (aldehyde dehydrogenase 1 family member A2; minus strand), ALDH1A2-AS1 (ALDH1A2 antisense RNA 1; plus strand). Cytogenetic location: 15q21.3.
Variant type: single nucleotide variant.
Coding change: c.49G>A on transcript NM_003888.4 (MANE Select); coding-DNA position 49, G replaced by A.
Protein change: p.Ala17Thr; replaces alanine 17 with threonine.
Molecular consequence: missense variant. On other transcripts: non-coding transcript variant (1), 5 prime UTR variant (1).
Genome position (GRCh38, 1-based): chr15:58,065,602, C>T on the plus strand (G>A on the coding strand, the complement: ALDH1A2 is on the minus strand). VCF-style: chr15-58065602-C-T. GRCh37 (hg19) VCF-style: chr15-58357800-C-T.
Other names: c.-112G>A (NM_001206897.2); c.49G>A, p.Ala17Thr (NM_170696.3); c.49G>A (NM_003888.3); short protein forms A17T.
Identifiers: ClinVar variation 3024882 (VCV003024882.23), dbSNP rs143084397, ClinGen allele CA7584262.
Genomic context (GRCh38, chr15:58,065,602, plus strand): 5'-ACTTAATTTCGAGATTGGGCGTGGGCGACGGCAGGAGGTGCAGCGACGCCATGAGGGCGG[C>T]GGGGTCGGCCTTCACCTCGCCGGGCATCTCTATCTTGCTGGAAGTCATGGTGGCGGGCCG-3'
Protein context (NP_003879.2, residues 7-27): EMPGEVKADP[Ala17Thr]ALMASLHLLP

ClinVar aggregate classification (germline): Likely benign. Review status: criteria provided, single submitter (1 of 4 stars). 2 submissions from 2 submitters: Likely benign (1). 1 of the submissions does not count toward it. Last evaluated 2024-01-01.

Conditions:
ALDH1A2-related disorder. Also called: ALDH1A2-related condition.

Allele frequency attached by ClinVar (database versions not stated): ESP Exome Variant Server 0.00031; 1000 Genomes Project 0.00040; gnomAD 0.00050; 1000 Genomes Project 30x 0.00062; TOPMed 0.00067; ExAC 0.00096.
gnomAD v4.1: 1,012 of 1,611,152 alleles (0.063%); highest among the groups gnomAD compares: Middle Eastern, 1.9%; 7 homozygotes.

Submissions (2):

CeGaT Center for Human Genetics Tuebingen
Classification: Likely benign. Last evaluated: 2024-01-01. Review status: criteria provided, single submitter. Criteria: CeGaT Center For Human Genetics Tuebingen Variant Classification Criteria Version 2. Collection method: clinical testing. Allele origin: germline. Affected: yes. Observed: 1 variant allele.
Comment: ALDH1A2: BS1

PreventionGenetics, part of Exact Sciences
Classification: Likely benign for ALDH1A2-related condition. Last evaluated: 2019-06-21. Review status: no assertion criteria provided. Collection method: clinical testing. Allele origin: germline. Not counted in ClinVar's aggregate classification.
Comment: This variant is classified as likely benign based on ACMG/AMP sequence variant interpretation guidelines (Richards et al. 2015 PMID: 25741868, with internal and published modifications).